The following is an entry in ClinVar:

ClinVar aggregate classification (germline): Conflicting classifications of pathogenicity. Review status: criteria provided, conflicting classifications (1 of 4 stars). 2 submissions from 2 submitters: Pathogenic (1); Uncertain significance (1). Last evaluated 2024-09-10.

Conditions:
Congenital disorder of deglycosylation (CDDG). Identifiers: MedGen C3808991, MONDO:0031376.

Submissions (2):

Women's Health and Genetics/Laboratory Corporation of America, LabCorp
Classification: Uncertain significance. Last evaluated: 2024-09-10. Review status: criteria provided, single submitter. Criteria: LabCorp Variant Classification Summary - May 2015. Collection method: clinical testing. Allele origin: germline.
Comment: Variant summary: NGLY1 c.-21_14dup35 is a duplication of the 21 bps in untranslated mRNA region and first 14 bps of the gene. The variant was absent in 143190 control chromosomes. The available data on variant occurrences in the general population are insufficient to allow any conclusion about variant significance. To our knowledge, no occurrence of c.-21_14dup35 in individuals affected with Congenital Disorder Of Deglycosylation and no experimental evidence demonstrating its impact on protein function have been reported. No submitters have cited clinical-significance assessments for this variant to ClinVar. Based on the evidence outlined above, the variant was classified as uncertain significance.

Labcorp Genetics (formerly Invitae), Labcorp
Classification: Pathogenic for Congenital disorder of deglycosylation. Last evaluated: 2024-03-21. Review status: criteria provided, single submitter. Criteria: Invitae Variant Classification Sherloc (09022015). Collection method: clinical testing. Allele origin: germline.
Comment: This sequence change creates a premature translational stop signal (p.Leu6Alafs*111) in the NGLY1 gene. It is expected to result in an absent or disrupted protein product. Loss-of-function variants in NGLY1 are known to be pathogenic (PMID: 24651605). This variant is not present in population databases (gnomAD no frequency). This variant has not been reported in the literature in individuals affected with NGLY1-related conditions. For these reasons, this variant has been classified as Pathogenic.

Literature cited by the submitters: PubMed 24651605 (cited by Labcorp Genetics (formerly Invitae), Labcorp).

NM_018297.4(NGLY1):c.-21_14dup (p.Leu6fs)

Gene: NGLY1 (N-glycanase 1; minus strand). Cytogenetic location: 3p24.2.
Variant type: Duplication.
Coding change: c.-21_14dup on transcript NM_018297.4 (MANE Select); 21 bases upstream of the start codon through coding-DNA position 14, 35 bases duplicated.
Protein change: p.Leu6fs; shifts the reading frame from leucine 6.
Molecular consequence: frameshift variant, initiator codon variant. On other transcripts: intron variant (1).
Genome position (GRCh38, 1-based): chr3:25,783,377-25,783,411, 35 bases duplicated; duplicating any 35 consecutive bases within chr3:25,783,377-25,783,420 gives the same sequence; the c. name uses the placement nearest the transcript's 3' end. GRCh37 (hg19): chr3:25,824,877-25,824,911.
Other names: c.-21_14dup, p.Leu6fs (NM_001145293.2, NM_001145295.2); c.6-4723_6-4689dup (NM_001145294.2); c.-21_14dup35 (NM_018297.4); short protein forms L6fs.
Identifiers: ClinVar variation 3374947 (VCV003374947.2).
Genomic context (GRCh38, chr3:25,783,376, plus strand): 5'-CGGGGTGTTCTGGCAGAGCTCAGCCACGGCCGGGGACGCCGAGCCTGAGGAGCTGCCCAA[T>TGCCGCCGCCGCCATGCTTGAGCGCCAGCGGGCGCC]GCCGCCGCCGCCATGCTTGAGCGCCAGCGGGCGCCGCCGCCGCCCCTCGCTCTCCGCGTC-3'